The following is an entry in ClinVar:

NM_002230.4(JUP):c.79C>G (p.His27Asp)

Gene: JUP (junction plakoglobin; minus strand). Cytogenetic location: 17q21.2.
Variant type: single nucleotide variant.
Coding change: c.79C>G on transcript NM_002230.4 (MANE Select); coding-DNA position 79, C replaced by G.
Protein change: p.His27Asp; replaces histidine 27 with aspartic acid.
Molecular consequence: missense variant.
Genome position (GRCh38, 1-based): chr17:41,771,776, G>C on the plus strand (C>G on the coding strand, the complement: JUP is on the minus strand). VCF-style: chr17-41771776-G-C. GRCh37 (hg19) VCF-style: chr17-39928028-G-C.
Other names: c.79C>G, p.His27Asp (NM_001352773.2, NM_001352774.2, NM_001352775.2 and 3 more transcripts); short protein forms H27D.
Identifiers: ClinVar variation 4786566 (VCV004786566.1).

ClinVar aggregate classification (germline): Uncertain significance (1 of 4 stars; one submission).

Conditions:
Arrhythmogenic right ventricular dysplasia 12. Also called: ARRHYTHMOGENIC RIGHT VENTRICULAR DYSPLASIA, FAMILIAL, 12. Identifiers: MedGen C1969081, MONDO:0012684, OMIM 611528.
Naxos disease (NXD). Also called: WOOLLY HAIR, PALMOPLANTAR KERATODERMA, AND CARDIAC ABNORMALITIES; KERATOSIS PALMOPLANTARIS WITH ARRHYTHMOGENIC CARDIOMYOPATHY; MAL DE NAXOS; PALMOPLANTAR KERATODERMA WITH ARRHYTHMOGENIC RIGHT VENTRICULAR CARDIOMYOPATHY AND WOOLLY HAIR; CARDIOMYOPATHY, ARRHYTHMOGENIC RIGHT VENTRICULAR, WITH SKIN, HAIR, AND NAIL ABNORMALITIES. Identifiers: Orphanet 34217, MedGen C1832600, MONDO:0011017, OMIM 601214.

Submission:

Labcorp Genetics (formerly Invitae), Labcorp
Classification: Uncertain significance for Arrhythmogenic right ventricular dysplasia 12; Naxos disease. Last evaluated: 2025-10-29. Review status: criteria provided, single submitter. Criteria: Invitae Variant Classification Sherloc (09022015). Collection method: clinical testing. Allele origin: germline.
Comment: This sequence change replaces histidine, which is basic and polar, with aspartic acid, which is acidic and polar, at codon 27 of the JUP protein (p.His27Asp). This variant is not present in population databases (gnomAD no frequency). This variant has not been reported in the literature in individuals affected with JUP-related conditions. An algorithm developed to predict the effect of missense changes on protein structure and function (PolyPhen-2) suggests that this variant is likely to be tolerated. In summary, the available evidence is currently insufficient to determine the role of this variant in disease. Therefore, it has been classified as a Variant of Uncertain Significance.